The following is an entry in ClinVar:

NM_006073.4(TRDN):c.2185C>G (p.Gln729Glu)

Gene: TRDN (triadin; minus strand). Cytogenetic location: 6q22.31.
Variant type: single nucleotide variant.
Coding change: c.2185C>G on transcript NM_006073.4 (MANE Select); coding-DNA position 2185, C replaced by G.
Protein change: p.Gln729Glu; replaces glutamine 729 with glutamic acid.
Molecular consequence: missense variant.
Genome position (GRCh38, 1-based): chr6:123,218,606, G>C on the plus strand (C>G on the coding strand, the complement: TRDN is on the minus strand). VCF-style: chr6-123218606-G-C. GRCh37 (hg19) VCF-style: chr6-123539751-G-C.
Other names: short protein forms Q729E.
Identifiers: ClinVar variation 2131099 (VCV002131099.4), dbSNP rs769741426, ClinGen allele CA365564290.

ClinVar aggregate classification (germline): Uncertain significance (1 of 4 stars; one submission).

Conditions:
Catecholaminergic polymorphic ventricular tachycardia 1. Also called: VENTRICULAR TACHYCARDIA, CATECHOLAMINERGIC POLYMORPHIC, 1, WITH OR WITHOUT ATRIAL DYSFUNCTION AND/OR DILATED CARDIOMYOPATHY; VENTRICULAR TACHYCARDIA, STRESS-INDUCED POLYMORPHIC 1; RYR2-Related Catecholaminergic Polymorphic Ventricular Tachycardia. Identifiers: Orphanet 3286, MedGen C1631597, MONDO:0011484, OMIM 604772.

Allele frequency attached by ClinVar (database versions not stated): gnomAD 0.00001.
gnomAD v4.1: 1 of 1,611,214 alleles (0.000062%); highest among the groups gnomAD compares: African/African-American, 0.0013%; no homozygotes.

Submission:

Labcorp Genetics (formerly Invitae), Labcorp
Classification: Uncertain significance for Catecholaminergic polymorphic ventricular tachycardia 1. Last evaluated: 2022-04-28. Review status: criteria provided, single submitter. Criteria: Invitae Variant Classification Sherloc (09022015). Collection method: clinical testing. Allele origin: germline.
Comment: In summary, the available evidence is currently insufficient to determine the role of this variant in disease. Therefore, it has been classified as a Variant of Uncertain Significance. Algorithms developed to predict the effect of missense changes on protein structure and function are either unavailable or do not agree on the potential impact of this missense change (SIFT: "Deleterious"; PolyPhen-2: "Benign"; Align-GVGD: "Class C0"). This variant has not been reported in the literature in individuals affected with TRDN-related conditions. This variant is not present in population databases (gnomAD no frequency). This sequence change replaces glutamine, which is neutral and polar, with glutamic acid, which is acidic and polar, at codon 729 of the TRDN protein (p.Gln729Glu).